The following is an entry in ClinVar:

NM_021008.4(DEAF1):c.42_53del (p.Glu15_Ala18del)

Gene: DEAF1 (DEAF1 transcription factor; minus strand). Cytogenetic location: 11p15.5.
Variant type: Deletion.
Coding change: c.42_53del on transcript NM_021008.4 (MANE Select); coding-DNA positions 42 to 53, 12 bases deleted (TGAGGCGGCGGC).
Protein change: p.Glu15_Ala18del.
Molecular consequence: inframe deletion. On other transcripts: 5 prime UTR variant (3), intron variant (1).
Genome position (GRCh38, 1-based): chr11:694,995-695,006, GCCGCCGCCTCA deleted on the plus strand (TGAGGCGGCGGC on the coding strand, the reverse complement: DEAF1 is on the minus strand); deleting any 12 consecutive bases within chr11:694,995-695,009 gives the same sequence; the c. name uses the placement nearest the transcript's 3' end. VCF-style (leftmost placement, unchanged base first): chr11-694994-CGCCGCCGCCTCA-C. GRCh37 (hg19) VCF-style: chr11-694994-CGCCGCCGCCTCA-C.
Other names: c.42_53del, p.Glu15_Ala18del (NM_001293634.2, NM_001440883.1, NM_001440884.1); c.-555_-544del (NM_001440885.1); c.-1955_-1944del (NM_001440886.1); c.-765_-754del (NM_001440887.1); c.-437-3408_-437-3397del (NM_001367390.1).
Identifiers: ClinVar variation 4714302 (VCV004714302.1).

ClinVar aggregate classification (germline): Uncertain significance (1 of 4 stars; one submission).

Submission:

Labcorp Genetics (formerly Invitae), Labcorp
Classification: Uncertain significance. Last evaluated: 2025-05-22. Review status: criteria provided, single submitter. Criteria: Invitae Variant Classification Sherloc (09022015). Collection method: clinical testing. Allele origin: germline.
Comment: This variant, c.42_53del, results in the deletion of 4 amino acid(s) of the DEAF1 protein (p.Glu15_Ala18del), but otherwise preserves the integrity of the reading frame. This variant is not present in population databases (gnomAD no frequency). This variant has not been reported in the literature in individuals affected with DEAF1-related conditions. Experimental studies and prediction algorithms are not available or were not evaluated, and the functional significance of this variant is currently unknown. In summary, the available evidence is currently insufficient to determine the role of this variant in disease. Therefore, it has been classified as a Variant of Uncertain Significance.